The following is an entry in ClinVar:

ClinVar aggregate classification (germline): Uncertain significance (1 of 4 stars; one submission).

Conditions:
SEMA3G-related disorder. Also called: SEMA3G-related condition.

gnomAD v4.1: 16 of 1,612,530 alleles (0.00099%); highest among the groups gnomAD compares: African/African-American, 0.0067%; no homozygotes.

Submission:

PreventionGenetics, part of Exact Sciences
Classification: Uncertain significance for SEMA3G-related condition. Last evaluated: 2026-01-21. Review status: criteria provided, single submitter. Criteria: ACMG Guidelines, 2015. Collection method: clinical testing. Allele origin: germline.
Comment: The SEMA3G c.2330G>A variant is predicted to result in the amino acid substitution p.Arg777Gln. To our knowledge, this variant has not been reported in the literature. This variant is reported in 0.0041% of alleles in individuals of African descent in gnomAD. At this time, the clinical significance of this variant is uncertain due to the absence of conclusive functional and genetic evidence.

NM_020163.3(SEMA3G):c.2330G>A (p.Arg777Gln)

Gene: SEMA3G (semaphorin 3G; minus strand). Cytogenetic location: 3p21.1.
Variant type: single nucleotide variant.
Coding change: c.2330G>A on transcript NM_020163.3 (MANE Select); coding-DNA position 2330, G replaced by A.
Protein change: p.Arg777Gln; replaces arginine 777 with glutamine.
Molecular consequence: missense variant.
Genome position (GRCh38, 1-based): chr3:52,435,622, C>T on the plus strand (G>A on the coding strand, the complement: SEMA3G is on the minus strand). VCF-style: chr3-52435622-C-T. GRCh37 (hg19) VCF-style: chr3-52469638-C-T.
Other names: short protein forms R777Q.
Identifiers: ClinVar variation 4981629 (VCV004981629.1).
Genomic context (GRCh38, chr3:52,435,622, plus strand): 5'-GGCCCCCCAGCCCATCCTGACCACCCCTCCTCTGCCCCCTTCTACGTGGCCTCCACCTCC[C>T]GGGGCGTCCGATTGTGCTCGGCATGCACCCGGCTCTTCATCTTCTTGCCTAGCTCCAGCC-3'
Protein context (NP_064548.1, residues 767-782): RVHAEHNRTP[Arg777Gln]EVEAT